The following is an entry in ClinVar:

ClinVar aggregate classification (germline): Pathogenic (1 of 4 stars; one submission).

Conditions:
Nephronophthisis. Also called: Juvenile Nephronophthisis. Identifiers: Orphanet 655, MedGen C0687120, MONDO:0019005, HP:0000090.

Submission:

Labcorp Genetics (formerly Invitae), Labcorp
Classification: Pathogenic for Nephronophthisis. Last evaluated: 2024-02-29. Review status: criteria provided, single submitter. Criteria: Invitae Variant Classification Sherloc (09022015). Collection method: clinical testing. Allele origin: germline.
Comment: This sequence change creates a premature translational stop signal (p.Leu89Glyfs*21) in the NPHP1 gene. It is expected to result in an absent or disrupted protein product. Loss-of-function variants in NPHP1 are known to be pathogenic (PMID: 23559409). This variant is present in population databases (rs769143199, gnomAD 0.0009%). This variant has not been reported in the literature in individuals affected with NPHP1-related conditions. For these reasons, this variant has been classified as Pathogenic.

Literature cited by the submitters: PubMed 23559409.

NM_001128178.3(NPHP1):c.265_266del (p.Leu89fs)

Gene: NPHP1 (nephrocystin 1; minus strand). Cytogenetic location: 2q13.
Variant type: Deletion.
Coding change: c.265_266del on transcript NM_001128178.3 (MANE Select); coding-DNA positions 265 to 266, 2 bases deleted (TT; older notation c.265_266delTT).
Protein change: p.Leu89fs; shifts the reading frame from leucine 89.
Molecular consequence: frameshift variant. On other transcripts: intron variant (1).
Genome position (GRCh38, 1-based): chr2:110,178,486-110,178,487, AA deleted on the plus strand (TT on the coding strand, the reverse complement: NPHP1 is on the minus strand); deleting any 2 consecutive bases within chr2:110,178,486-110,178,489 gives the same sequence; the c. name uses the placement nearest the transcript's 3' end. VCF-style (leftmost placement, unchanged base first): chr2-110178485-CAA-C. GRCh37 (hg19) VCF-style: chr2-110936062-CAA-C.
Other names: c.265_266del, p.Leu89fs (NM_000272.5, NM_001374256.1, NM_001374257.1 and 1 more transcripts); c.144-8489_144-8488del (NM_001128179.3); short protein forms L89fs.
Identifiers: ClinVar variation 2763947 (VCV002763947.3), dbSNP rs769143199, ClinGen allele CA1827456.